The following is an entry in ClinVar:

NM_001042492.3(NF1):c.7948T>G (p.Phe2650Val)

Gene: NF1 (neurofibromin 1; plus strand). Cytogenetic location: 17q11.2.
Variant type: single nucleotide variant.
Coding change: c.7948T>G on transcript NM_001042492.3 (MANE Select); coding-DNA position 7948, T replaced by G.
Protein change: p.Phe2650Val; replaces phenylalanine 2650 with valine.
Molecular consequence: missense variant.
Genome position (GRCh38, 1-based): chr17:31,357,347, T>G. VCF-style: chr17-31357347-T-G. GRCh37 (hg19) VCF-style: chr17-29684365-T-G.
Other names: c.7885T>G, p.Phe2629Val (NM_000267.4); short protein forms F2650V, F2629V.
Identifiers: ClinVar variation 2837723 (VCV002837723.3), dbSNP rs1341554037, ClinGen allele CA399203522.

ClinVar aggregate classification (germline): Uncertain significance (1 of 4 stars; one submission).

Conditions:
Neurofibromatosis, type 1 (NF1). Also called: Neurofibromatosis, type I; VON RECKLINGHAUSEN DISEASE; NEUROFIBROMATOSIS, TYPE I, SOMATIC; Peripheral type neurofibromatosis. Identifiers: Orphanet 636, MedGen C0027831, MONDO:0018975, OMIM 162200. Disease mechanism: loss of function.

Allele frequency attached by ClinVar (database versions not stated): TOPMed below 0.00001; gnomAD 0.00001.
gnomAD v4.1: 1 of 1,613,646 alleles (0.000062%); highest among the groups gnomAD compares: African/African-American, 0.0013%; no homozygotes.

Submission:

Labcorp Genetics (formerly Invitae), Labcorp
Classification: Uncertain significance for Neurofibromatosis, type 1. Last evaluated: 2025-01-14. Review status: criteria provided, single submitter. Criteria: Invitae Variant Classification Sherloc (09022015). Collection method: clinical testing. Allele origin: germline.
Comment: This sequence change replaces phenylalanine, which is neutral and non-polar, with valine, which is neutral and non-polar, at codon 2629 of the NF1 protein (p.Phe2629Val). This variant is not present in population databases (gnomAD no frequency). This variant has not been reported in the literature in individuals affected with NF1-related conditions. ClinVar contains an entry for this variant (Variation ID: 2837723). Invitae Evidence Modeling of protein sequence and biophysical properties (such as structural, functional, and spatial information, amino acid conservation, physicochemical variation, residue mobility, and thermodynamic stability) indicates that this missense variant is expected to disrupt NF1 protein function with a positive predictive value of 95%. In summary, the available evidence is currently insufficient to determine the role of this variant in disease. Therefore, it has been classified as a Variant of Uncertain Significance.